The following is an entry in ClinVar:

NM_001330311.2(DVL1):c.394G>A (p.Asp132Asn)

Gene: DVL1 (dishevelled segment polarity protein 1; minus strand). Cytogenetic location: 1p36.33.
Variant type: single nucleotide variant.
Coding change: c.394G>A on transcript NM_001330311.2 (MANE Select); coding-DNA position 394, G replaced by A.
Protein change: p.Asp132Asn; replaces aspartic acid 132 with asparagine.
Molecular consequence: missense variant.
Genome position (GRCh38, 1-based): chr1:1,342,125, C>T on the plus strand (G>A on the coding strand, the complement: DVL1 is on the minus strand). VCF-style: chr1-1342125-C-T. GRCh37 (hg19) VCF-style: chr1-1277505-C-T.
Other names: c.394G>A, p.Asp132Asn (NM_004421.3); short protein forms D132N.
Identifiers: ClinVar variation 3369927 (VCV003369927.1).

ClinVar aggregate classification (germline): Uncertain significance (1 of 4 stars; one submission).

Submission:

GeneDx
Classification: Uncertain significance. Last evaluated: 2024-04-26. Review status: criteria provided, single submitter. Criteria: GeneDx Variant Classification Process June 2021. Collection method: clinical testing. Allele origin: germline. Affected: yes.
Comment: Not observed at significant frequency in large population cohorts (gnomAD); In silico analysis supports that this missense variant has a deleterious effect on protein structure/function; Has not been previously published as pathogenic or benign to our knowledge